The following is an entry in ClinVar:

ClinVar aggregate classification (germline): Uncertain significance. Review status: criteria provided, multiple submitters, no conflicts (2 of 4 stars). 2 submissions from 2 submitters: Uncertain significance (2). Last evaluated 2024-09-12.

Conditions:
Congenital stationary night blindness 1E. Also called: Night blindness, congenital stationary (complete), 1E, autosomal recessive. Identifiers: Orphanet 215, MedGen C3281215, MONDO:0013807, OMIM 614565.

Allele frequency attached by ClinVar (database versions not stated): TOPMed below 0.00001; gnomAD exomes 0.00002.
gnomAD v4.1: 16 of 1,613,764 alleles (0.00099%); highest among the groups gnomAD compares: South Asian, 0.018%; no homozygotes.

Submissions (2):

Labcorp Genetics (formerly Invitae), Labcorp
Classification: Uncertain significance. Last evaluated: 2024-09-12. Review status: criteria provided, single submitter. Criteria: Invitae Variant Classification Sherloc (09022015). Collection method: clinical testing. Allele origin: germline.
Comment: This sequence change replaces proline, which is neutral and non-polar, with threonine, which is neutral and polar, at codon 92 of the GPR179 protein (p.Pro92Thr). This variant is present in population databases (no rsID available, gnomAD 0.02%). This variant has not been reported in the literature in individuals affected with GPR179-related conditions. ClinVar contains an entry for this variant (Variation ID: 1301549). An algorithm developed to predict the effect of missense changes on protein structure and function (PolyPhen-2) suggests that this variant is likely to be disruptive. In summary, the available evidence is currently insufficient to determine the role of this variant in disease. Therefore, it has been classified as a Variant of Uncertain Significance.

Dubai Health Genomic Medicine Center, Dubai Health
Classification: Uncertain significance for Congenital stationary night blindness 1E. Last evaluated: 2020-07-05. Review status: criteria provided, single submitter. Criteria: ACMG Guidelines, 2015. Collection method: clinical testing. Allele origin: germline. Affected: yes.
Comment: The p. Pro92Thr missense variant in GPR179 has not been previously reported in affected individuals but was identified in 5/30602 (0.016% 0 homozygotes) South Asian alleles in the Genome Aggregation Database (gnomAD). Conservation analysis and computational prediction tools suggest a possible impact to protein function though this information is not predictive enough to confirm pathogenicity. In summary more information is needed to fully assess the clinical significance of this variant.

NM_001004334.4(GPR179):c.274C>A (p.Pro92Thr)

Gene: GPR179 (G protein-coupled receptor 179; minus strand). Cytogenetic location: 17q12.
Variant type: single nucleotide variant.
Coding change: c.274C>A on transcript NM_001004334.4 (MANE Select); coding-DNA position 274, C replaced by A.
Protein change: p.Pro92Thr; replaces proline 92 with threonine.
Molecular consequence: missense variant.
Genome position (GRCh38, 1-based): chr17:38,343,516, G>T on the plus strand (C>A on the coding strand, the complement: GPR179 is on the minus strand). VCF-style: chr17-38343516-G-T. GRCh37 (hg19) VCF-style: chr17-36499399-G-T.
Other names: short protein forms P92T.
Identifiers: ClinVar variation 1301549 (VCV001301549.4), dbSNP rs1331610447, ClinGen allele CA398889565.
Genomic context (GRCh38, chr17:38,343,516, plus strand): 5'-GCATGTTGAGAAAATTGGCGGCCTGGGCAAGGGTGCCCGCTGCCCCCTGTAGGCTTGGGG[G>T]GAGCCCTGGCATGGCTCCTGCCCCACGCGCTTCATAGCGCTCACTGCAATTCACCTGTGA-3'
Protein context (NP_001004334.3, residues 82-102): ARGAGAMPGL[Pro92Thr]PSLQGAAGTL